The following is an entry in ClinVar:

ClinVar aggregate classification (germline): Conflicting classifications of pathogenicity. Review status: criteria provided, conflicting classifications (1 of 4 stars). 2 submissions from 2 submitters: Uncertain significance (1); Likely benign (1). Last evaluated 2026-04-22.

Conditions:
Colorectal cancer, hereditary nonpolyposis, type 7. Identifiers: Orphanet 144, MedGen C1858380, MONDO:0013725, OMIM 614385.

Allele frequency attached by ClinVar (database versions not stated): gnomAD exomes 0.00001 and below 0.00001; gnomAD 0.00001.
gnomAD v4.1: 4 of 1,614,086 alleles (0.00025%); highest among the groups gnomAD compares: Non-Finnish European, 0.00017%; no homozygotes.

Submissions (2):

Ambry Genetics
Classification: Likely benign. Last evaluated: 2026-04-22. Review status: criteria provided, single submitter. Criteria: Ambry Variant Classification Scheme 2023. Collection method: clinical testing. Allele origin: germline.

Labcorp Genetics (formerly Invitae), Labcorp
Classification: Uncertain significance for Colorectal cancer, hereditary nonpolyposis, type 7. Last evaluated: 2022-05-05. Review status: criteria provided, single submitter. Criteria: Invitae Variant Classification Sherloc (09022015). Collection method: clinical testing. Allele origin: germline.
Comment: This variant has not been reported in the literature in individuals affected with MLH3-related conditions. This variant is present in population databases (no rsID available, gnomAD 0.002%). This sequence change replaces threonine, which is neutral and polar, with alanine, which is neutral and non-polar, at codon 558 of the MLH3 protein (p.Thr558Ala). ClinVar contains an entry for this variant (Variation ID: 1018878). In summary, the available evidence is currently insufficient to determine the role of this variant in disease. Therefore, it has been classified as a Variant of Uncertain Significance. Algorithms developed to predict the effect of missense changes on protein structure and function output the following: SIFT: "Tolerated"; PolyPhen-2: "Benign"; Align-GVGD: "Class C0". The alanine amino acid residue is found in multiple mammalian species, which suggests that this missense change does not adversely affect protein function.

NM_001040108.2(MLH3):c.1672A>G (p.Thr558Ala)

Gene: MLH3 (mutL homolog 3; minus strand). Cytogenetic location: 14q24.3.
Variant type: single nucleotide variant.
Coding change: c.1672A>G on transcript NM_001040108.2 (MANE Select); coding-DNA position 1672, A replaced by G.
Protein change: p.Thr558Ala; replaces threonine 558 with alanine.
Molecular consequence: missense variant.
Genome position (GRCh38, 1-based): chr14:75,047,984, T>C on the plus strand (A>G on the coding strand, the complement: MLH3 is on the minus strand). VCF-style: chr14-75047984-T-C. GRCh37 (hg19) VCF-style: chr14-75514687-T-C.
Other names: c.1672A>G (NM_001040108.1); c.1672A>G, p.Thr558Ala (NM_014381.3); short protein forms T558A.
Identifiers: ClinVar variation 1018878 (VCV001018878.9), dbSNP rs1386400935, ClinGen allele CA390444662.